The following is an entry in ClinVar:

NM_001035.3(RYR2):c.11348A>C (p.Glu3783Ala)

Gene: RYR2 (ryanodine receptor 2; plus strand). Cytogenetic location: 1q43.
Variant type: single nucleotide variant.
Coding change: c.11348A>C on transcript NM_001035.3 (MANE Select); coding-DNA position 11348, A replaced by C.
Protein change: p.Glu3783Ala; replaces glutamic acid 3783 with alanine.
Molecular consequence: missense variant.
Genome position (GRCh38, 1-based): chr1:237,759,798, A>C. VCF-style: chr1-237759798-A-C. GRCh37 (hg19) VCF-style: chr1-237923098-A-C.
Other names: short protein forms E3783A.
Identifiers: ClinVar variation 3385841 (VCV003385841.1).

ClinVar aggregate classification (germline): Uncertain significance (1 of 4 stars; one submission).

Conditions:
Catecholaminergic polymorphic ventricular tachycardia (CVPT). Also called: Catecholamine-induced polymorphic ventricular tachycardia. Identifiers: Orphanet 3286, MedGen C5574922, MONDO:0017990.

Submission:

All of Us Research Program, National Institutes of Health
Classification: Uncertain significance for Catecholaminergic polymorphic ventricular tachycardia. Last evaluated: 2024-02-22. Review status: criteria provided, single submitter. Criteria: ACMG Guidelines, 2015. Collection method: clinical testing. Allele origin: germline. Inheritance: Autosomal dominant inheritance. Observed: 1 variant allele, 1 heterozygote.
Comment: This missense variant replaces glutamic acid with alanine at codon 3783 of the RYR2 protein. Computational prediction is inconclusive regarding the impact of this variant on protein structure and function (internally defined REVEL score threshold 0.5 < inconclusive < 0.7, PMID: 27666373). To our knowledge, functional studies have not been reported for this variant. This variant has not been reported in individuals affected with RYR2-related disorders in the literature. This variant has not been identified in the general population by the Genome Aggregation Database (gnomAD). The available evidence is insufficient to determine the role of this variant in disease conclusively. Therefore, this variant is classified as a Variant of Uncertain Significance.

This study involves interpretation of variants in research participants for the purpose of population health screening. Participant phenotype was not available at the time of variant classification. Additional details can be found in publication PMID: 35346344, PMCID: PMC8962531